The following is an entry in ClinVar:

ClinVar aggregate classification (germline): Uncertain significance. Review status: criteria provided, multiple submitters, no conflicts (2 of 4 stars). 3 submissions from 3 submitters: Uncertain significance (3). Last evaluated 2025-04-22.

Conditions:
Hereditary nonpolyposis colorectal neoplasms. Identifiers: MedGen C0009405, MeSH D003123.
Hereditary cancer-predisposing syndrome. Also called: Tumor predisposition; Hereditary Cancer Syndrome; Neoplastic Syndromes, Hereditary; Hereditary neoplastic syndrome. Identifiers: Orphanet 140162, MedGen C0027672, MeSH D009386, MONDO:0015356.
Lynch syndrome 4 (LYNCH4). Also called: Colorectal cancer, hereditary nonpolyposis, type 4; Hereditary non-polyposis colorectal cancer, type 4. Identifiers: Orphanet 144, MedGen C1838333, MONDO:0013699, OMIM 614337. Disease mechanism: loss of function.

Allele frequency attached by ClinVar (database versions not stated): gnomAD exomes below 0.00001.
gnomAD v4.1: 1 of 1,612,596 alleles (0.000062%); highest among the groups gnomAD compares: African/African-American, 0.0013%; no homozygotes.

Submissions (3):

Ambry Genetics
Classification: Uncertain significance for Hereditary cancer-predisposing syndrome. Last evaluated: 2025-04-22. Review status: criteria provided, single submitter. Criteria: Ambry Variant Classification Scheme 2023. Collection method: clinical testing. Allele origin: germline.
Comment: The p.L377P variant (also known as c.1130T>C), located in coding exon 10 of the PMS2 gene, results from a T to C substitution at nucleotide position 1130. The leucine at codon 377 is replaced by proline, an amino acid with similar properties. This amino acid position is well conserved in available vertebrate species. In addition, this alteration is predicted to be deleterious by in silico analysis. Based on the available evidence, the clinical significance of this variant remains unclear.

Labcorp Genetics (formerly Invitae), Labcorp
Classification: Uncertain significance for Hereditary nonpolyposis colorectal neoplasms. Last evaluated: 2024-12-22. Review status: criteria provided, single submitter. Criteria: Invitae Variant Classification Sherloc (09022015). Collection method: clinical testing. Allele origin: germline.
Comment: This sequence change replaces leucine, which is neutral and non-polar, with proline, which is neutral and non-polar, at codon 377 of the PMS2 protein (p.Leu377Pro). This variant is not present in population databases (gnomAD no frequency). This variant has not been reported in the literature in individuals affected with PMS2-related conditions. ClinVar contains an entry for this variant (Variation ID: 822225). Invitae Evidence Modeling of protein sequence and biophysical properties (such as structural, functional, and spatial information, amino acid conservation, physicochemical variation, residue mobility, and thermodynamic stability) indicates that this missense variant is not expected to disrupt PMS2 protein function with a negative predictive value of 80%. In summary, the available evidence is currently insufficient to determine the role of this variant in disease. Therefore, it has been classified as a Variant of Uncertain Significance.

Baylor Genetics
Classification: Uncertain significance for Lynch syndrome 4. Last evaluated: 2023-07-08. Review status: criteria provided, single submitter. Criteria: ACMG Guidelines, 2015. Collection method: clinical testing. Allele origin: unknown.

NM_000535.7(PMS2):c.1130T>C (p.Leu377Pro)

Gene: PMS2 (PMS1 homolog 2, mismatch repair system component; minus strand). Cytogenetic location: 7p22.1.
Variant type: single nucleotide variant.
Coding change: c.1130T>C on transcript NM_000535.7 (MANE Select); coding-DNA position 1130, T replaced by C.
Protein change: p.Leu377Pro; replaces leucine 377 with proline.
Molecular consequence: missense variant. On other transcripts: non-coding transcript variant (1), intron variant (2).
Genome position (GRCh38, 1-based): chr7:5,989,814, A>G on the plus strand (T>C on the coding strand, the complement: PMS2 is on the minus strand). VCF-style: chr7-5989814-A-G. GRCh37 (hg19) VCF-style: chr7-6029445-A-G.
Other names: c.725T>C, p.Leu242Pro (NM_001322003.2, NM_001322004.2, NM_001322005.2 and 1 more transcripts); c.812T>C, p.Leu271Pro (NM_001322007.2, NM_001322008.2); c.197T>C, p.Leu66Pro (NM_001322011.2, NM_001322012.2); c.557T>C, p.Leu186Pro (NM_001322013.2); c.1130T>C, p.Leu377Pro (NM_001322014.2); c.821T>C, p.Leu274Pro (NM_001322015.2); c.583+2159T>C (NM_001322010.2); c.988+2159T>C (NM_001322006.2); short protein forms L271P, L274P, L242P, L186P, L377P, L66P.
Identifiers: ClinVar variation 822225 (VCV000822225.14), dbSNP rs1583334040, ClinGen allele CA366742744.
Genomic context (GRCh38, chr7:5,989,814, plus strand): 5'-TTAGCTAAAAGCTTTAGAAGCTGTTTGTACACTGTATTTTTCTTACCTTCAACATCCAGC[A>G]GTGGCTGCTGACTGACATTTAGCTTGTTGACATCACTATCAAACATTCCTATCAAAGAGG-3'
Protein context (NP_000526.2, residues 367-387): VNKLNVSQQP[Leu377Pro]LDVEGNLIKM